The following is an entry in ClinVar:

NM_144631.6(ZNF513):c.1523A>G (p.Glu508Gly)

Gene: ZNF513 (zinc finger protein 513; minus strand). Cytogenetic location: 2p23.3.
Variant type: single nucleotide variant.
Coding change: c.1523A>G on transcript NM_144631.6 (MANE Select); coding-DNA position 1523, A replaced by G.
Protein change: p.Glu508Gly; replaces glutamic acid 508 with glycine.
Molecular consequence: missense variant.
Genome position (GRCh38, 1-based): chr2:27,377,648, T>C on the plus strand (A>G on the coding strand, the complement: ZNF513 is on the minus strand). VCF-style: chr2-27377648-T-C. GRCh37 (hg19) VCF-style: chr2-27600515-T-C.
Other names: c.1523A>G (NM_144631.5); c.1337A>G, p.Glu446Gly (NM_001201459.2); short protein forms E446G, E508G.
Identifiers: ClinVar variation 1481792 (VCV001481792.7), dbSNP rs1282550185, ClinGen allele CA346214254.

ClinVar aggregate classification (germline): Uncertain significance. Review status: criteria provided, multiple submitters, no conflicts (2 of 4 stars). 2 submissions from 2 submitters: Uncertain significance (2). Last evaluated 2025-08-22.

Allele frequency attached by ClinVar (database versions not stated): TOPMed below 0.00001; gnomAD exomes 0.00001.

Submissions (2):

Ambry Genetics
Classification: Uncertain significance. Last evaluated: 2025-08-22. Review status: criteria provided, single submitter. Criteria: Ambry Variant Classification Scheme 2023. Collection method: clinical testing. Allele origin: germline.

Labcorp Genetics (formerly Invitae), Labcorp
Classification: Uncertain significance. Last evaluated: 2021-12-02. Review status: criteria provided, single submitter. Criteria: Invitae Variant Classification Sherloc (09022015). Collection method: clinical testing. Allele origin: germline.
Comment: In summary, the available evidence is currently insufficient to determine the role of this variant in disease. Therefore, it has been classified as a Variant of Uncertain Significance. This variant is present in population databases (no rsID available, gnomAD 0.006%). This variant has not been reported in the literature in individuals affected with ZNF513-related conditions. Algorithms developed to predict the effect of missense changes on protein structure and function are either unavailable or do not agree on the potential impact of this missense change (SIFT: "Deleterious"; PolyPhen-2: "Benign"; Align-GVGD: "Class C0"). This sequence change replaces glutamic acid, which is acidic and polar, with glycine, which is neutral and non-polar, at codon 508 of the ZNF513 protein (p.Glu508Gly).